The following is an entry in ClinVar:

ClinVar aggregate classification (germline): Likely benign (1 of 4 stars; one submission).

gnomAD v4.1: 17 of 1,523,920 alleles (0.0011%); highest among the groups gnomAD compares: Non-Finnish European, 0.0015%; no homozygotes.

Submission:

Mayo Clinic Laboratories, Mayo Clinic
Classification: Likely benign. Last evaluated: 2025-03-31. Review status: criteria provided, single submitter. Criteria: ACMG Guidelines, 2015. Collection method: clinical testing. Allele origin: germline. Observed: 2 variant alleles.
Comment: BP4, BP7

NM_002887.4(RARS1):c.579+5A>G

Gene: RARS1 (arginyl-tRNA synthetase 1; plus strand). Cytogenetic location: 5q34.
Variant type: single nucleotide variant.
Coding change: c.579+5A>G on transcript NM_002887.4 (MANE Select); 5 bases into the intron after coding-DNA position 579, A replaced by G.
Molecular consequence: intron variant.
Genome position (GRCh38, 1-based): chr5:168,494,655, A>G. VCF-style: chr5-168494655-A-G. GRCh37 (hg19) VCF-style: chr5-167921660-A-G.
Identifiers: ClinVar variation 4684879 (VCV004684879.1).
Genomic context (GRCh38, chr5:168,494,655, plus strand): 5'-TGACCAGTCTTCTAGTGAATGGAGTTCAACTACCTGCTCTGGGAGAGAATAAAAAGGTAT[A>G]TGTACACTCTTCTATTAATATATTAGTATCTTAGAACTGCGTGGAACCAAGCATGGTGGT-3'